The following is an entry in ClinVar:

ClinVar aggregate classification (germline): Uncertain significance. Review status: criteria provided, multiple submitters, no conflicts (2 of 4 stars). 3 submissions from 3 submitters: Uncertain significance (3). Last evaluated 2022-11-16.

Conditions:
Inborn genetic diseases. Identifiers: MedGen C0950123, MeSH D030342.

Allele frequency attached by ClinVar (database versions not stated): TOPMed 0.00008; gnomAD 0.00010 and 0.00009; gnomAD exomes 0.00027 and 0.00006; ExAC 0.00007.
gnomAD v4.1: 399 of 1,612,812 alleles (0.025%); highest among the groups gnomAD compares: Non-Finnish European, 0.033%; no homozygotes.

Submissions (3):

Labcorp Genetics (formerly Invitae), Labcorp
Classification: Uncertain significance. Last evaluated: 2022-11-16. Review status: criteria provided, single submitter. Criteria: Invitae Variant Classification Sherloc (09022015). Collection method: clinical testing. Allele origin: germline.
Comment: In summary, the available evidence is currently insufficient to determine the role of this variant in disease. Therefore, it has been classified as a Variant of Uncertain Significance. Algorithms developed to predict the effect of missense changes on protein structure and function are either unavailable or do not agree on the potential impact of this missense change (SIFT: "Deleterious"; PolyPhen-2: "Benign"; Align-GVGD: "Class C0"). ClinVar contains an entry for this variant (Variation ID: 287568). This variant has not been reported in the literature in individuals affected with IGF1R-related conditions. This variant is present in population databases (rs773129173, gnomAD 0.01%). This sequence change replaces threonine, which is neutral and polar, with proline, which is neutral and non-polar, at codon 1366 of the IGF1R protein (p.Thr1366Pro).

Ambry Genetics
Classification: Uncertain significance for Inborn genetic diseases. Last evaluated: 2016-05-18. Review status: criteria provided, single submitter. Criteria: Ambry exome assertion method (8-5-2015). Collection method: clinical testing. Allele origin: germline. Affected: yes. Observed: 1 variant allele.

Eurofins Ntd Llc (ga)
Classification: Uncertain significance. Last evaluated: 2016-05-09. Review status: criteria provided, single submitter. Criteria: EGL Classification Definitions 2015. Collection method: clinical testing. Allele origin: germline. Observed: 2 variant alleles, 2 heterozygotes.

NM_000875.5(IGF1R):c.4096A>C (p.Thr1366Pro)

Gene: IGF1R (insulin like growth factor 1 receptor; plus strand). Cytogenetic location: 15q26.3.
Variant type: single nucleotide variant.
Coding change: c.4096A>C on transcript NM_000875.5 (MANE Select); coding-DNA position 4096, A replaced by C.
Protein change: p.Thr1366Pro; replaces threonine 1366 with proline.
Molecular consequence: missense variant.
Genome position (GRCh38, 1-based): chr15:98,957,434, A>C. VCF-style: chr15-98957434-A-C. GRCh37 (hg19) VCF-style: chr15-99500663-A-C.
Other names: c.4093A>C, p.Thr1365Pro (NM_001291858.2); short protein forms T1365P, T1366P.
Identifiers: ClinVar variation 287568 (VCV000287568.11), dbSNP rs773129173, ClinGen allele CA7752896.